The following is an entry in ClinVar:

NM_003070.5(SMARCA2):c.988C>A (p.Pro330Thr)

Gene: SMARCA2 (SWI/SNF related BAF chromatin remodeling complex subunit ATPase 2; plus strand). Cytogenetic location: 9p24.3.
Variant type: single nucleotide variant.
Coding change: c.988C>A on transcript NM_003070.5 (MANE Select); coding-DNA position 988, C replaced by A.
Protein change: p.Pro330Thr; replaces proline 330 with threonine.
Molecular consequence: missense variant.
Genome position (GRCh38, 1-based): chr9:2,047,426, C>A. VCF-style: chr9-2047426-C-A. GRCh37 (hg19) VCF-style: chr9-2047426-C-A.
Other names: c.988C>A, p.Pro330Thr (NM_001289396.2, NM_001289397.2, NM_139045.4); short protein forms P330T.
Identifiers: ClinVar variation 4697121 (VCV004697121.1).

ClinVar aggregate classification (germline): Uncertain significance (1 of 4 stars; one submission).

gnomAD v4.1: 8 of 1,587,552 alleles (0.0005%); highest among the groups gnomAD compares: Admixed American, 0.013%; no homozygotes.

Submission:

Labcorp Genetics (formerly Invitae), Labcorp
Classification: Uncertain significance. Last evaluated: 2025-03-16. Review status: criteria provided, single submitter. Criteria: Invitae Variant Classification Sherloc (09022015). Collection method: clinical testing. Allele origin: germline.
Comment: This sequence change replaces proline, which is neutral and non-polar, with threonine, which is neutral and polar, at codon 330 of the SMARCA2 protein (p.Pro330Thr). The frequency data for this variant in the population databases is considered unreliable, as metrics indicate poor data quality at this position in the gnomAD database. This variant has not been reported in the literature in individuals affected with SMARCA2-related conditions. Invitae Evidence Modeling of protein sequence and biophysical properties (such as structural, functional, and spatial information, amino acid conservation, physicochemical variation, residue mobility, and thermodynamic stability) indicates that this missense variant is not expected to disrupt SMARCA2 protein function with a negative predictive value of 80%. In summary, the available evidence is currently insufficient to determine the role of this variant in disease. Therefore, it has been classified as a Variant of Uncertain Significance.